The following is an entry in ClinVar:

ClinVar aggregate classification (germline): Uncertain significance (1 of 4 stars; one submission).

gnomAD v4.1: 1 of 1,613,806 alleles (0.000062%); highest among the groups gnomAD compares: African/African-American, 0.0013%; no homozygotes.

Submission:

GeneDx
Classification: Uncertain significance. Last evaluated: 2025-08-12. Review status: criteria provided, single submitter. Criteria: GeneDx Variant Classification Process June 2021. Collection method: clinical testing. Allele origin: germline. Affected: yes.
Comment: Not observed at significant frequency in large population cohorts (gnomAD); In silico analysis suggests that this missense variant does not alter protein structure/function; Has not been previously published as pathogenic or benign to our knowledge

NM_021008.4(DEAF1):c.1549G>C (p.Gly517Arg)

Gene: DEAF1 (DEAF1 transcription factor; minus strand). Cytogenetic location: 11p15.5.
Variant type: single nucleotide variant.
Coding change: c.1549G>C on transcript NM_021008.4 (MANE Select); coding-DNA position 1549, G replaced by C.
Protein change: p.Gly517Arg; replaces glycine 517 with arginine.
Molecular consequence: missense variant. On other transcripts: intron variant (1).
Genome position (GRCh38, 1-based): chr11:654,006, C>G on the plus strand (G>C on the coding strand, the complement: DEAF1 is on the minus strand). VCF-style: chr11-654006-C-G. GRCh37 (hg19) VCF-style: chr11-654006-C-G.
Other names: c.1324G>C, p.Gly442Arg (NM_001293634.2); c.823G>C, p.Gly275Arg (NM_001367390.1, NM_001440885.1, NM_001440886.1 and 1 more transcripts); c.1420G>C, p.Gly474Arg (NM_001440884.1); c.1504-9352G>C (NM_001440883.1); short protein forms G517R, G474R, G442R, G275R.
Identifiers: ClinVar variation 4795730 (VCV004795730.1).